The following continues an entry in ClinVar:

NM_007294.4(BRCA1):c.5509T>G (p.Trp1837Gly)

Gene: BRCA1. ClinVar aggregate classification (germline): Pathogenic. Pathogenic (1).

Submissions 5 to 8 of 8:

All of Us Research Program, National Institutes of Health
Classification: Likely pathogenic for Breast-ovarian cancer, familial, susceptibility to, 1. Last evaluated: 2023-07-19. Review status: criteria provided, single submitter. Criteria: ACMG Guidelines, 2015. Collection method: clinical testing. Allele origin: germline. Inheritance: Autosomal dominant inheritance. Observed: 1 variant allele, 1 heterozygote. Not counted in ClinVar's aggregate classification.
Comment: This missense variant replaces tryptophan with glycine at codon 1837 of the BRCA1 protein. Computational prediction suggests that this variant may have deleterious impact on protein structure and function (internally defined REVEL score threshold >= 0.7, PMID: 27666373). Functional studies have reported that this variant abolishes BRCA1 function in phosphopeptide binding, transcription activation, and in a haploid cell proliferation assay, as well as disrupts the folding of the BRCT domain (PMID: 15133503, 20378548, 20516115, 29884841, 30209399). This variant has been reported in individuals who underwent BRCA gene testing (PMID: 10923033, 16267036). Different missense substitutions at this codon have been reported as disease-causing in ClinVar (variation ID: 37679, 37680, 853483, 1065962), and p.Trp1837Arg specifically has been reported in individuals and families affected with breast cancer and reported to segregate with disease in a family (PMID: 8968102, 11802209, 27741520, 28324225). This variant has not been identified in the general population by the Genome Aggregation Database (gnomAD). Based on the available evidence, this variant is classified as Likely Pathogenic.

This study involves interpretation of variants in research participants for the purpose of population health screening. Participant phenotype was not available at the time of variant classification. Additional details can be found in publication PMID: 35346344, PMCID: PMC8962531

Breast Cancer Information Core (BIC) (BRCA1)
Classification: Uncertain significance for Breast-ovarian cancer, familial 1. Last evaluated: 2002-06-20. Review status: no assertion criteria provided. Collection method: clinical testing. Allele origin: germline. Affected: yes. Observed: 1 variant allele. Not counted in ClinVar's aggregate classification.

Brotman Baty Institute, University of Washington
No classification provided (evidence only). Condition: Breast-ovarian cancer, familial 1. Review status: no classification provided. Collection method: in vitro. Allele origin: not applicable. Functional consequence: functionally_abnormal. Not counted in ClinVar's aggregate classification.
ClinVar note: "not provided" was previously submitted as the classification for the variant. However, the classification appeared to be based only on an observation of functional data so it was converted to no classification on 2025-07-30.

Department of Pathology and Laboratory Medicine, Sinai Health System
Classification: Likely pathogenic for Malignant tumor of breast. Review status: no assertion criteria provided. Collection method: clinical testing. Allele origin: unknown. Affected: yes. Observed: 1 variant allele. Study: The Canadian Open Genetics Repository (COGR). Not counted in ClinVar's aggregate classification.
Comment: The BRCA1 p.Trp1837Gly variant was identified in the literature in at least one individual referred for BRCA1 and BRCA2 testing at Myriad Genetic Laboratories (Judkins 2005). The variant was also identified in dbSNP (ID: rs80356959) â€šÃ„ÃºWith Likely pathogenic, Uncertain significance alleleâ€šÃ„Ã¹, HGMD, the ClinVar database (submitted by Ambry Genetics with a classification of uncertain significance; submitted by Invitae with no classification provided), the BIC database (1X with unknown clinical importance), and UMD (1X as an unclassified variant). The variant is located at a BRCT fold position, within the alpha helix of the C-terminal portion of the BRCA1 protein. Several in vitro studies have shown a deleterious effect of the variant on the protein structure and function, with it having a strong destabilizing effect (Glover 2006, Lee 2010, Rowling 2010, Williams 2003), compromised transcriptional activity (Lee 2010 20516115), and reduced peptide binding activity and specificity (Glover 2006, Lee 2010, Williams 2004). The p.Trp1837 residue is conserved across mammals and lower organisms, and computational analyses (PolyPhen-2, SIFT, AlignGVGD, BLOSUM, MutationTaster) suggest that the p.Trp1837Gly variant may impact the protein. In addition, in silico studies using protein structure-based assessment or evolutionary conservation analysis predict the variant to have a deleterious effect (Abkevich 2004, Karchin 2007, Mirkovic 2004, Williams 2003). In summary, based on the above information, the clinical significance of this variant cannot be determined with certainty at this time although we would lean towards a more pathogenic role for this variant. This variant is classified as predicted pathogenic.

Literature cited by the submitters: PubMed 16267036 (cited by Labcorp Genetics (formerly Invitae), Labcorp and All of Us Research Program, National Institutes of Health); PubMed 30209399 (cited by 3 submitters); PubMed 14534301 (cited by Labcorp Genetics (formerly Invitae), Labcorp); PubMed 15133503 (cited by 3 submitters); PubMed 20378548 (cited by 3 submitters); PubMed 20516115 (cited by 3 submitters); PubMed 8968102 (cited by Labcorp Genetics (formerly Invitae), Labcorp and All of Us Research Program, National Institutes of Health); PubMed 11802209 (cited by Labcorp Genetics (formerly Invitae), Labcorp and All of Us Research Program, National Institutes of Health); PubMed 15689452 (cited by Labcorp Genetics (formerly Invitae), Labcorp); PubMed 27741520 (cited by Labcorp Genetics (formerly Invitae), Labcorp and All of Us Research Program, National Institutes of Health); PubMed 28324225 (cited by Labcorp Genetics (formerly Invitae), Labcorp and All of Us Research Program, National Institutes of Health); PubMed 15172985 (cited by Ambry Genetics); PubMed 16528612 (cited by Ambry Genetics); PubMed 17305420 (cited by Ambry Genetics); PubMed 27822389 (cited by Ambry Genetics); PubMed 10923033 (cited by All of Us Research Program, National Institutes of Health); PubMed 29884841 (cited by All of Us Research Program, National Institutes of Health).